The following is an entry in ClinVar:

NM_001330260.2(SCN8A):c.734T>G (p.Ile245Ser)

Gene: SCN8A (sodium voltage-gated channel alpha subunit 8; plus strand). Cytogenetic location: 12q13.13.
Variant type: single nucleotide variant.
Coding change: c.734T>G on transcript NM_001330260.2 (MANE Select); coding-DNA position 734, T replaced by G.
Protein change: p.Ile245Ser; replaces isoleucine 245 with serine.
Molecular consequence: missense variant.
Genome position (GRCh38, 1-based): chr12:51,699,597, T>G. VCF-style: chr12-51699597-T-G. GRCh37 (hg19) VCF-style: chr12-52093381-T-G.
Other names: c.734T>G, p.Ile245Ser (NM_001177984.3, NM_001369788.1, NM_014191.4); short protein forms I245S.
Identifiers: ClinVar variation 3438336 (VCV003438336.2).

ClinVar aggregate classification (germline): Uncertain significance (1 of 4 stars; one submission).

Conditions:
Inborn genetic diseases. Identifiers: MedGen C0950123, MeSH D030342.

Submission:

Ambry Genetics
Classification: Uncertain significance for Inborn genetic diseases. Last evaluated: 2026-08-27. Review status: criteria provided, single submitter. Criteria: Ambry Variant Classification Scheme 2023. Collection method: clinical testing. Allele origin: germline.
Comment: The c.734T>G (p.I245S) alteration is located in exon 7 (coding exon 6) of the SCN8A gene. This alteration results from a T to G substitution at nucleotide position 734, causing the isoleucine (I) at amino acid position 245 to be replaced by a serine (S). This variant was not reported in population-based cohorts in the Genome Aggregation Database (gnomAD). This amino acid position is highly conserved in available vertebrate species. This alteration is predicted to be deleterious by in silico analysis. Based on insufficient or conflicting evidence, the clinical significance of this alteration remains unclear.